The following is an entry in ClinVar:

NM_001367624.2(ZNF469):c.3468G>A (p.Glu1156=)

Gene: ZNF469 (zinc finger protein 469; plus strand). Cytogenetic location: 16q24.2.
Variant type: single nucleotide variant.
Coding change: c.3468G>A on transcript NM_001367624.2 (MANE Select); coding-DNA position 3468, G replaced by A.
Protein change: p.Glu1156=; no amino-acid change (glutamic acid 1156 retained).
Molecular consequence: synonymous variant.
Genome position (GRCh38, 1-based): chr16:88,430,938, G>A. VCF-style: chr16-88430938-G-A. GRCh37 (hg19) VCF-style: chr16-88497346-G-A.
Identifiers: ClinVar variation 515080 (VCV000515080.5), dbSNP rs1555519130, ClinGen allele CA497354226.

ClinVar aggregate classification (germline): Likely benign. Review status: criteria provided, multiple submitters, no conflicts (2 of 4 stars). 2 submissions from 2 submitters: Likely benign (2). Last evaluated 2022-02-23.

Submissions (2):

Labcorp Genetics (formerly Invitae), Labcorp
Classification: Likely benign. Last evaluated: 2022-02-23. Review status: criteria provided, single submitter. Criteria: Invitae Variant Classification Sherloc (09022015). Collection method: clinical testing. Allele origin: germline.

GeneDx
Classification: Likely benign. Last evaluated: 2018-02-02. Review status: criteria provided, single submitter. Criteria: GeneDx Variant Classification (06012015). Collection method: clinical testing. Allele origin: germline. Affected: yes.
Comment: This variant is considered likely benign or benign based on one or more of the following criteria: it is a conservative change, it occurs at a poorly conserved position in the protein, it is predicted to be benign by multiple in silico algorithms, and/or has population frequency not consistent with disease.